The following is an entry in ClinVar:

ClinVar aggregate classification (germline): Uncertain significance (1 of 4 stars; one submission).

Allele frequency attached by ClinVar (database versions not stated): ExAC 0.00001; gnomAD 0.00003; TOPMed 0.00004; 1000 Genomes Project 0.00020; 1000 Genomes Project 30x 0.00031.
gnomAD v4.1: 5 of 1,600,622 alleles (0.00031%); highest among the groups gnomAD compares: African/African-American, 0.0054%; no homozygotes.

Submission:

Ambry Genetics
Classification: Uncertain significance. Last evaluated: 2023-08-29. Review status: criteria provided, single submitter. Criteria: Ambry Variant Classification Scheme 2023. Collection method: clinical testing. Allele origin: germline.
Comment: The p.Y155H variant (also known as c.463T>C), located in coding exon 3 of the POLQ gene, results from a T to C substitution at nucleotide position 463. The tyrosine at codon 155 is replaced by histidine, an amino acid with similar properties. This amino acid position is conserved. In addition, this alteration is predicted to be tolerated by in silico analysis. Since supporting evidence is limited at this time, the clinical significance of this alteration remains unclear.

NM_199420.4(POLQ):c.463T>C (p.Tyr155His)

Gene: POLQ (DNA polymerase theta; minus strand). Cytogenetic location: 3q13.33.
Variant type: single nucleotide variant.
Coding change: c.463T>C on transcript NM_199420.4 (MANE Select); coding-DNA position 463, T replaced by C.
Protein change: p.Tyr155His; replaces tyrosine 155 with histidine.
Molecular consequence: missense variant.
Genome position (GRCh38, 1-based): chr3:121,541,360, A>G on the plus strand (T>C on the coding strand, the complement: POLQ is on the minus strand). VCF-style: chr3-121541360-A-G. GRCh37 (hg19) VCF-style: chr3-121260207-A-G.
Other names: short protein forms Y155H.
Identifiers: ClinVar variation 1742097 (VCV001742097.3), dbSNP rs554479634, ClinGen allele CA2563816.